The following is an entry in ClinVar:

NM_024753.5(TTC21B):c.22-6A>C

Gene: TTC21B (tetratricopeptide repeat domain 21B; minus strand). Cytogenetic location: 2q24.3.
Variant type: single nucleotide variant.
Coding change: c.22-6A>C on transcript NM_024753.5 (MANE Select); 6 bases into the intron before coding-DNA position 22, A replaced by C.
Molecular consequence: intron variant.
Genome position (GRCh38, 1-based): chr2:165,949,730, T>G on the plus strand (A>C on the coding strand, the complement: TTC21B is on the minus strand). VCF-style: chr2-165949730-T-G. GRCh37 (hg19) VCF-style: chr2-166806240-T-G.
Other names: c.22-6A>C (NM_024753.4).
Identifiers: ClinVar variation 1121631 (VCV001121631.15), dbSNP rs377459815, ClinGen allele CA1942573.
Genomic context (GRCh38, chr2:165,949,730, plus strand): 5'-CAACCAGTAATACATGATGGAAATATCTCTCTTGACAATAGTAATTAATCAAAGTCTAAA[T>G]GGAAATAATGAAAAAATGTTATAAAGGAATTCTGGTGCTCTGAAATACTCTAAGAAGCAG-3'

ClinVar aggregate classification (germline): Conflicting classifications of pathogenicity. Review status: criteria provided, conflicting classifications (1 of 4 stars). 3 submissions from 3 submitters: Uncertain significance (1); Likely benign (2). Last evaluated 2025-12-01.

Conditions:
Jeune thoracic dystrophy. Also called: Jeune syndrome; Infantile thoracic dystrophy; Thoracic pelvic phalangeal dystrophy; Jeune's syndrome; Chondroectodermal dysplasia-like syndrome; Short-rib thoracic dysplasia. Identifiers: Orphanet 474, MedGen C0265275, MONDO:0018770.
Nephronophthisis. Also called: Juvenile Nephronophthisis. Identifiers: Orphanet 655, MedGen C0687120, MONDO:0019005, HP:0000090.
TTC21B-related disorder. Also called: TTC21B-related disorders; TTC21B-related condition.

Allele frequency attached by ClinVar (database versions not stated): ESP Exome Variant Server 0.00008; ExAC 0.00003; gnomAD exomes 0.00003; TOPMed 0.00004; gnomAD 0.00005.

Submissions (3):

CeGaT Center for Human Genetics Tuebingen
Classification: Uncertain significance. Last evaluated: 2025-12-01. Review status: criteria provided, single submitter. Criteria: CeGaT Center For Human Genetics Tuebingen Variant Classification Criteria Version 2. Collection method: clinical testing. Allele origin: germline. Affected: yes. Observed: 1 variant allele.
Comment: TTC21B: PM2, BP4

PreventionGenetics, part of Exact Sciences
Classification: Likely benign for TTC21B-related condition. Last evaluated: 2025-02-21. Review status: criteria provided, single submitter. Criteria: ACMG Guidelines, 2015. Collection method: clinical testing. Allele origin: germline.
Comment: This variant is classified as likely benign based on ACMG/AMP sequence variant interpretation guidelines (Richards et al. 2015 PMID: 25741868, with internal and published modifications).

Labcorp Genetics (formerly Invitae), Labcorp
Classification: Likely benign for Jeune thoracic dystrophy; Nephronophthisis. Last evaluated: 2024-02-08. Review status: criteria provided, single submitter. Criteria: Invitae Variant Classification Sherloc (09022015). Collection method: clinical testing. Allele origin: germline.